The following is an entry in ClinVar:

ClinVar aggregate classification (germline): Uncertain significance (1 of 4 stars; one submission).

Submission:

Labcorp Genetics (formerly Invitae), Labcorp
Classification: Uncertain significance. Last evaluated: 2022-11-29. Review status: criteria provided, single submitter. Criteria: Invitae Variant Classification Sherloc (09022015). Collection method: clinical testing. Allele origin: germline.
Comment: This sequence change creates a premature translational stop signal (p.Cys259Serfs*18) in the A2ML1 gene. It is expected to result in an absent or disrupted protein product. However, the current clinical and genetic evidence is not sufficient to establish whether loss-of-function variants in A2ML1 cause disease. This variant is not present in population databases (gnomAD no frequency). This variant has not been reported in the literature in individuals affected with A2ML1-related conditions. ClinVar contains an entry for this variant (Variation ID: 650139). In summary, the available evidence is currently insufficient to determine the role of this variant in disease. Therefore, it has been classified as a Variant of Uncertain Significance.

NM_144670.6(A2ML1):c.776_777del (p.Cys259fs)

Gene: A2ML1 (alpha-2-macroglobulin like 1; plus strand). Cytogenetic location: 12p13.31.
Variant type: Microsatellite.
Coding change: c.776_777del on transcript NM_144670.6 (MANE Select); coding-DNA positions 776 to 777, 2 bases deleted (GT; older notation c.776_777delGT).
Protein change: p.Cys259fs; shifts the reading frame from cysteine 259.
Molecular consequence: frameshift variant.
Genome position (GRCh38, 1-based): chr12:8,837,487-8,837,488, GT deleted; deleting any 2 consecutive bases within chr12:8,837,482-8,837,488 gives the same sequence; the c. name uses the placement nearest the transcript's 3' end. VCF-style (leftmost placement, unchanged base first): chr12-8837481-CTG-C. GRCh37 (hg19) VCF-style: chr12-8990077-CTG-C.
Other names: short protein forms C259fs.
Identifiers: ClinVar variation 650139 (VCV000650139.6), dbSNP rs1592114348, ClinGen allele CA915947894.